The following is an entry in ClinVar:

NM_015488.5(PNKD):c.374C>G (p.Pro125Arg)

Genes: PNKD (PNKD metallo-beta-lactamase domain containing; plus strand), CATIP-AS2 (CATIP antisense RNA 2; minus strand). Cytogenetic location: 2q35.
Variant type: single nucleotide variant.
Coding change: c.374C>G on transcript NM_015488.5 (MANE Select); coding-DNA position 374, C replaced by G.
Protein change: p.Pro125Arg; replaces proline 125 with arginine.
Molecular consequence: missense variant.
Genome position (GRCh38, 1-based): chr2:218,340,050, C>G. VCF-style: chr2-218340050-C-G. GRCh37 (hg19) VCF-style: chr2-219204773-C-G.
Other names: c.302C>G, p.Pro101Arg (NM_022572.5); short protein forms P125R, P101R.
Identifiers: ClinVar variation 3647987 (VCV003647987.2).

ClinVar aggregate classification (germline): Uncertain significance (1 of 4 stars; one submission).

Conditions:
Paroxysmal nonkinesigenic dyskinesia. Also called: Paroxysmal non-kinesigenic dyskinesia. Identifiers: Orphanet 98810, MedGen C1869117, MONDO:0700088.

Submission:

Labcorp Genetics (formerly Invitae), Labcorp
Classification: Uncertain significance for Paroxysmal nonkinesigenic dyskinesia. Last evaluated: 2024-06-18. Review status: criteria provided, single submitter. Criteria: Invitae Variant Classification Sherloc (09022015). Collection method: clinical testing. Allele origin: germline.
Comment: This sequence change replaces proline, which is neutral and non-polar, with arginine, which is basic and polar, at codon 125 of the PNKD protein (p.Pro125Arg). This variant is not present in population databases (gnomAD no frequency). This variant has not been reported in the literature in individuals affected with PNKD-related conditions. Advanced modeling of protein sequence and biophysical properties (such as structural, functional, and spatial information, amino acid conservation, physicochemical variation, residue mobility, and thermodynamic stability) performed at Invitae indicates that this missense variant is expected to disrupt PNKD protein function with a positive predictive value of 80%. In summary, the available evidence is currently insufficient to determine the role of this variant in disease. Therefore, it has been classified as a Variant of Uncertain Significance.